The following is an entry in ClinVar:

NM_000520.6(HEXA):c.1422-237A>G

Gene: HEXA (hexosaminidase subunit alpha; minus strand). Cytogenetic location: 15q23.
Variant type: single nucleotide variant.
Coding change: c.1422-237A>G on transcript NM_000520.6 (MANE Select); 237 bases into the intron before coding-DNA position 1422, A replaced by G.
Genome position (GRCh38, 1-based): chr15:72,345,787, T>C on the plus strand (A>G on the coding strand, the complement: HEXA is on the minus strand). VCF-style: chr15-72345787-T-C. GRCh37 (hg19) VCF-style: chr15-72638128-T-C.
Other names: c.1455-237A>G (NM_001318825.2).
Identifiers: ClinVar variation 684096 (VCV000684096.2), dbSNP rs8037749, ClinGen allele CA272609407.

ClinVar aggregate classification (germline): Benign. Review status: criteria provided, multiple submitters, no conflicts (2 of 4 stars). 2 submissions from 2 submitters: Benign (2). Last evaluated 2018-06-19.

Allele frequency attached by ClinVar (database versions not stated): 1000 Genomes Project 30x 0.86836; TOPMed 0.87231; 1000 Genomes Project 0.87700; gnomAD 0.88873.
gnomAD v4.1: 570,172 of 593,996 alleles (96%); highest among the groups gnomAD compares: East Asian, 100%; 277,431 homozygotes.

Submissions (2):

GeneDx
Classification: Benign. Last evaluated: 2018-06-19. Review status: criteria provided, single submitter. Criteria: GeneDx Variant Classification (06012015). Collection method: clinical testing. Allele origin: germline. Affected: yes.
Comment: This variant is considered likely benign or benign based on one or more of the following criteria: it is a conservative change, it occurs at a poorly conserved position in the protein, it is predicted to be benign by multiple in silico algorithms, and/or has population frequency not consistent with disease.

Breakthrough Genomics
Classification: Benign. Review status: criteria provided, single submitter. Criteria: ACMG Guidelines, 2015. Collection method: not provided. Allele origin: germline. Inheritance: Autosomal recessive inheritance. Affected: yes.